The following is an entry in ClinVar:

ClinVar aggregate classification (germline): Uncertain significance (1 of 4 stars; one submission).

Conditions:
Norman-Roberts syndrome (LIS2). Also called: Lissencephaly 2 (Norman-Roberts type). Identifiers: Orphanet 89844, MedGen C0796089, MONDO:0009760, OMIM 257320.
Familial temporal lobe epilepsy 7. Identifiers: Orphanet 101046, MedGen C4225327, MONDO:0014639, OMIM 616436.

Submission:

Labcorp Genetics (formerly Invitae), Labcorp
Classification: Uncertain significance for Familial temporal lobe epilepsy 7; Norman-Roberts syndrome. Last evaluated: 2023-12-09. Review status: criteria provided, single submitter. Criteria: Invitae Variant Classification Sherloc (09022015). Collection method: clinical testing. Allele origin: germline.
Comment: This sequence change replaces glycine, which is neutral and non-polar, with arginine, which is basic and polar, at codon 2101 of the RELN protein (p.Gly2101Arg). This variant is not present in population databases (gnomAD no frequency). This variant has not been reported in the literature in individuals affected with RELN-related conditions. An algorithm developed to predict the effect of missense changes on protein structure and function (PolyPhen-2) suggests that this variant is likely to be disruptive. In summary, the available evidence is currently insufficient to determine the role of this variant in disease. Therefore, it has been classified as a Variant of Uncertain Significance.

NM_005045.4(RELN):c.6301G>A (p.Gly2101Arg)

Gene: RELN (reelin; minus strand). Cytogenetic location: 7q22.1.
Variant type: single nucleotide variant.
Coding change: c.6301G>A on transcript NM_005045.4 (MANE Select); coding-DNA position 6301, G replaced by A.
Protein change: p.Gly2101Arg; replaces glycine 2101 with arginine.
Molecular consequence: missense variant.
Genome position (GRCh38, 1-based): chr7:103,551,068, C>T on the plus strand (G>A on the coding strand, the complement: RELN is on the minus strand). VCF-style: chr7-103551068-C-T. GRCh37 (hg19) VCF-style: chr7-103191515-C-T.
Other names: c.6301G>A, p.Gly2101Arg (NM_173054.3); short protein forms G2101R.
Identifiers: ClinVar variation 2954516 (VCV002954516.3), dbSNP rs2484717201, ClinGen allele CA368737356.